The following is an entry in ClinVar:

NM_000059.4(BRCA2):c.8946del (p.Asp2983fs)

Gene: BRCA2 (BRCA2 DNA repair associated; plus strand). Cytogenetic location: 13q13.1.
Variant type: Deletion.
Coding change: c.8946del on transcript NM_000059.4 (MANE Select); coding-DNA position 8946, one base deleted (A; older notation c.8946delA).
Protein change: p.Asp2983fs; shifts the reading frame from aspartic acid 2983.
Molecular consequence: frameshift variant.
Genome position (GRCh38, 1-based): chr13:32,379,508, A deleted; the last of 5 consecutive A bases (chr13:32,379,504-32,379,508); deleting any one gives the same sequence. VCF-style (leftmost placement, unchanged base first): chr13-32379503-GA-G. GRCh37 (hg19) VCF-style: chr13-32953640-GA-G.
Other names: 9174delA; c.8946delA (NM_000059.3).
Identifiers: ClinVar variation 52706 (VCV000052706.7), dbSNP rs80359733, ClinGen allele CA025884.

ClinVar aggregate classification (germline): Pathogenic. Review status: reviewed by expert panel (3 of 4 stars). 2 submissions from 2 submitters: Pathogenic (1). 1 of the submissions does not count toward it. Last evaluated 2016-10-18.

Conditions:
Breast-ovarian cancer, familial, susceptibility to, 2 (BROVCA2). Also called: BRCA2 Hereditary Breast and Ovarian Cancer. Identifiers: Orphanet 145, MedGen C2675520, MONDO:0012933, OMIM 612555. Disease mechanism: loss of function.

Submissions (2):

Evidence-based Network for the Interpretation of Germline Mutant Alleles (ENIGMA)
Classification: Pathogenic for Breast-ovarian cancer, familial, susceptibility to, 2. Last evaluated: 2016-10-18. Review status: reviewed by expert panel. Criteria: ENIGMA BRCA1/2 Classification Criteria (2015). Collection method: curation. Allele origin: germline.
Comment: Variant allele predicted to encode a truncated non-functional protein.

Consortium of Investigators of Modifiers of BRCA1/2 (CIMBA), c/o University of Cambridge
Classification: Pathogenic for Breast-ovarian cancer, familial, susceptibility to, 2. Last evaluated: 2015-10-02. Review status: criteria provided, single submitter. Criteria: CIMBA Mutation Classification guidelines May 2016. Collection method: clinical testing. Allele origin: germline. Not counted in ClinVar's aggregate classification.